The following is an entry in ClinVar:

NM_020975.6(RET):c.938G>T (p.Arg313Leu)

Gene: RET (ret proto-oncogene; plus strand). Cytogenetic location: 10q11.21.
Variant type: single nucleotide variant.
Coding change: c.938G>T on transcript NM_020975.6 (MANE Select); coding-DNA position 938, G replaced by T.
Protein change: p.Arg313Leu; replaces arginine 313 with leucine.
Molecular consequence: missense variant.
Genome position (GRCh38, 1-based): chr10:43,106,446, G>T. VCF-style: chr10-43106446-G-T. GRCh37 (hg19) VCF-style: chr10-43601894-G-T.
Other names: c.938G>T, p.Arg313Leu (NM_000323.2, NM_001406743.1, NM_001406744.1 and 6 more transcripts); c.176G>T, p.Arg59Leu (NM_001355216.2); c.809G>T, p.Arg270Leu (NM_001406761.1, NM_001406762.1, NM_001406764.1 and 1 more transcripts); c.650G>T, p.Arg217Leu (NM_001406766.1, NM_001406767.1, NM_001406770.1); short protein forms R59L, R313L, R270L, R217L.
Identifiers: ClinVar variation 850811 (VCV000850811.12), dbSNP rs77702891, ClinGen allele CA206257455.

ClinVar aggregate classification (germline): Uncertain significance. Review status: criteria provided, multiple submitters, no conflicts (2 of 4 stars). 3 submissions from 3 submitters: Uncertain significance (3). Last evaluated 2025-03-13.

Conditions:
Hereditary cancer-predisposing syndrome. Also called: Tumor predisposition; Neoplastic Syndromes, Hereditary; Hereditary neoplastic syndrome; Hereditary Cancer Syndrome. Identifiers: Orphanet 140162, MedGen C0027672, MeSH D009386, MONDO:0015356.
Multiple endocrine neoplasia, type 2 (MEN2). Identifiers: Orphanet 653, MedGen C4048306, MONDO:0019003. Disease mechanism: gain of function.

Submissions (3):

Ambry Genetics
Classification: Uncertain significance for Hereditary cancer-predisposing syndrome. Last evaluated: 2025-03-13. Review status: criteria provided, single submitter. Criteria: Ambry Variant Classification Scheme 2023. Collection method: clinical testing. Allele origin: germline.
Comment: The p.R313L variant (also known as c.938G>T), located in coding exon 5 of the RET gene, results from a G to T substitution at nucleotide position 938. The arginine at codon 313 is replaced by leucine, an amino acid with dissimilar properties. This amino acid position is well conserved in available vertebrate species. In addition, the in silico prediction for this alteration is inconclusive. Based on the available evidence, the clinical significance of this variant remains unclear.

Labcorp Genetics (formerly Invitae), Labcorp
Classification: Uncertain significance for Multiple endocrine neoplasia, type 2. Last evaluated: 2022-07-06. Review status: criteria provided, single submitter. Criteria: Invitae Variant Classification Sherloc (09022015). Collection method: clinical testing. Allele origin: germline.
Comment: This variant is not present in population databases (gnomAD no frequency). In summary, the available evidence is currently insufficient to determine the role of this variant in disease. Therefore, it has been classified as a Variant of Uncertain Significance. Algorithms developed to predict the effect of missense changes on protein structure and function are either unavailable or do not agree on the potential impact of this missense change (SIFT: "Deleterious"; PolyPhen-2: "Benign"; Align-GVGD: "Class C0"). ClinVar contains an entry for this variant (Variation ID: 850811). This variant has not been reported in the literature in individuals affected with RET-related conditions. This sequence change replaces arginine, which is basic and polar, with leucine, which is neutral and non-polar, at codon 313 of the RET protein (p.Arg313Leu).

Mendelics
Classification: Uncertain significance. Last evaluated: 2022-05-04. Review status: criteria provided, single submitter. Criteria: Mendelics Assertion Criteria 2019. Collection method: clinical testing. Allele origin: germline.